The following is an entry in ClinVar:

ClinVar aggregate classification (germline): Uncertain significance. Review status: criteria provided, multiple submitters, no conflicts (2 of 4 stars). 2 submissions from 2 submitters: Uncertain significance (2). Last evaluated 2025-09-21.

Conditions:
Inborn genetic diseases. Identifiers: MedGen C0950123, MeSH D030342.
KBG syndrome (KBGS). Also called: ANKRD11-Related KBG Syndrome. Identifiers: Orphanet 2332, MedGen C0220687, MONDO:0007846, OMIM 148050.

Submissions (2):

Ambry Genetics
Classification: Uncertain significance for Inborn genetic diseases. Last evaluated: 2025-09-21. Review status: criteria provided, single submitter. Criteria: Ambry Variant Classification Scheme 2023. Collection method: clinical testing. Allele origin: germline.

Labcorp Genetics (formerly Invitae), Labcorp
Classification: Uncertain significance for KBG syndrome. Last evaluated: 2025-06-25. Review status: criteria provided, single submitter. Criteria: Invitae Variant Classification Sherloc (09022015). Collection method: clinical testing. Allele origin: germline.
Comment: This sequence change replaces serine, which is neutral and polar, with tyrosine, which is neutral and polar, at codon 1878 of the ANKRD11 protein (p.Ser1878Tyr). This variant is not present in population databases (gnomAD no frequency). This variant has not been reported in the literature in individuals affected with ANKRD11-related conditions. Invitae Evidence Modeling of protein sequence and biophysical properties (such as structural, functional, and spatial information, amino acid conservation, physicochemical variation, residue mobility, and thermodynamic stability) indicates that this missense variant is not expected to disrupt ANKRD11 protein function with a negative predictive value of 95%. In summary, the available evidence is currently insufficient to determine the role of this variant in disease. Therefore, it has been classified as a Variant of Uncertain Significance.

NM_013275.6(ANKRD11):c.5633C>A (p.Ser1878Tyr)

Gene: ANKRD11 (ankyrin repeat domain 11; minus strand). Cytogenetic location: 16q24.3.
Variant type: single nucleotide variant.
Coding change: c.5633C>A on transcript NM_013275.6 (MANE Select); coding-DNA position 5633, C replaced by A.
Protein change: p.Ser1878Tyr; replaces serine 1878 with tyrosine.
Molecular consequence: missense variant.
Genome position (GRCh38, 1-based): chr16:89,280,909, G>T on the plus strand (C>A on the coding strand, the complement: ANKRD11 is on the minus strand). VCF-style: chr16-89280909-G-T. GRCh37 (hg19) VCF-style: chr16-89347317-G-T.
Other names: c.5633C>A, p.Ser1878Tyr (NM_001256182.2, NM_001256183.2); short protein forms S1878Y.
Identifiers: ClinVar variation 4578079 (VCV004578079.2).
Genomic context (GRCh38, chr16:89,280,909, plus strand): 5'-AGCTCGGCTCTGGGGGAAGGGGAAGGTTTTGCTTGTAAACTTGAGAAGACGCCCTCTGGA[G>T]ACGGGGTGACAGTGACAACGGCAGCCGGTGGGCAGTGCAAAGCGTCGACTTTGGGCGACG-3'
Protein context (NP_037407.4, residues 1868-1888): PPAAVVTVTP[Ser1878Tyr]PEGVFSSLQA